The following is an entry in ClinVar:

ClinVar aggregate classification (germline): Conflicting classifications of pathogenicity. Review status: criteria provided, conflicting classifications (1 of 4 stars). 6 submissions from 6 submitters: Uncertain significance (3); Likely benign (1). 2 of the submissions do not count toward it. Last evaluated 2024-08-20.

Conditions:
Inborn genetic diseases. Identifiers: MedGen C0950123, MeSH D030342.
Polycystic kidney disease. Also called: Kidney, Polycystic; Polycystic kidney dysplasia. Identifiers: MedGen C0022680, MeSH D007690, MONDO:0020642, HP:0000113.
PKD1-related disorder. Also called: PKD1-related condition.

Allele frequency attached by ClinVar (database versions not stated): ESP Exome Variant Server 0.00008; gnomAD exomes 0.00008 and 0.00016; gnomAD 0.00009 and 0.00011; TOPMed 0.00010; 1000 Genomes Project 30x 0.00016; ExAC 0.00017.
gnomAD v4.1: 141 of 1,608,072 alleles (0.0088%); highest among the groups gnomAD compares: Middle Eastern, 0.065%; no homozygotes.

Submissions (6):

Ambry Genetics
Classification: Uncertain significance for Inborn genetic diseases. Last evaluated: 2024-08-20. Review status: criteria provided, single submitter. Criteria: Ambry Variant Classification Scheme 2023. Collection method: clinical testing. Allele origin: germline.

GeneDx
Classification: Uncertain significance. Last evaluated: 2024-07-31. Review status: criteria provided, single submitter. Criteria: GeneDx Variant Classification Process June 2021. Collection method: clinical testing. Allele origin: germline. Affected: yes.
Comment: In silico analysis supports that this missense variant has a deleterious effect on protein structure/function; Has not been previously published as pathogenic or benign to our knowledge

Blueprint Genetics
Classification: Likely benign. Last evaluated: 2024-07-23. Review status: criteria provided, single submitter. Criteria: ACMG Guidelines, 2015. Collection method: clinical testing. Allele origin: germline.

Mayo Clinic Laboratories, Mayo Clinic
Classification: Uncertain significance. Last evaluated: 2023-08-30. Review status: criteria provided, single submitter. Criteria: ACMG Guidelines, 2015. Collection method: clinical testing. Allele origin: germline. Observed: 2 variant alleles.

PreventionGenetics, part of Exact Sciences
Classification: Uncertain significance for PKD1-related condition. Last evaluated: 2024-08-17. Review status: no assertion criteria provided. Collection method: clinical testing. Allele origin: germline. Not counted in ClinVar's aggregate classification.
Comment: The PKD1 c.5704G>A variant is predicted to result in the amino acid substitution p.Gly1902Arg. To our knowledge, this variant has not been reported in the literature. This variant is reported in 0.031% of alleles in individuals of Latino descent in gnomAD, which is more common than expected for a primary cause of disease. Of note, different substitutions at the same codon, defined as c.5705G>A (p.Gly1902Glu) and c.5704G>T (p.Gly1902Trp), were reported as variants of uncertain significance in a genetic study of autosomal dominant polycystic kidney disease (ADPKD) (Supplementary table 2 of Yu et al. 2022. PubMed ID: 35778421). Although we suspect that the c.5704G>A (p.Gly1902Arg) variant may be benign due to its relatively high allele frequency in the general population, at this time, the clinical significance of this variant is uncertain due to the absence of conclusive functional and genetic evidence.

Department of Pathology and Laboratory Medicine, Sinai Health System
Classification: Uncertain significance for Polycystic Kidney disease. Review status: no assertion criteria provided. Collection method: clinical testing. Allele origin: unknown. Affected: yes. Study: The Canadian Open Genetics Repository (COGR). Not counted in ClinVar's aggregate classification.
Comment: The PKD1 p.Gly1902Arg variant was not identified in the literature nor was it identified in the ClinVar, LOVD 3.0, ADPKD Mutation Database, or PKD1-LOVD databases. The variant was identified in dbSNP (ID: rs370479407). The variant was identified in control databases in 43 of 267284 chromosomes (1 homozygous) at a frequency of 0.0002 (Genome Aggregation Database Feb 27, 2017). The variant was observed in the following populations: African in 3 of 22786 chromosomes (freq: 0.0001), Other in 6 of 6260 chromosomes (freq: 0.001), Latino in 9 of 34204 chromosomes (freq: 0.0003), European in 18 of 121408 chromosomes (freq: 0.0002), Ashkenazi Jewish in 2 of 9908 chromosomes (freq: 0.0002), East Asian in 1 of 18602 chromosomes (freq: 0.00005), and South Asian in 4 of 30508 chromosomes (freq: 0.0001), while the variant was not observed in the Finnish population. In addition, we cannot be certain that data from control databases is specific to PKD1 and not from one of the six PKD1 pseudogenes. The p.Gly1902 residue is conserved in mammals but not in more distantly related organisms, and four out of five computational analyses (PolyPhen-2, SIFT, AlignGVGD, BLOSUM, MutationTaster) suggest that the variant may impact the protein; however, this information is not predictive enough to assume pathogenicity. The variant occurs outside of the splicing consensus sequence and 1 of 4 in silico or computational prediction software programs (SpliceSiteFinder, MaxEntScan, NNSPLICE, GeneSplicer) predict a greater than 10% difference in splicing; this is not very predictive of pathogenicity. In summary, based on the above information, the clinical significance of this variant cannot be determined with certainty at this time. This variant is classified as a variant of uncertain significance.

Literature cited by the submitters: PubMed 35778421 (cited by Mayo Clinic Laboratories, Mayo Clinic).

NM_001009944.3(PKD1):c.5704G>A (p.Gly1902Arg)

Gene: PKD1 (polycystin 1, transient receptor potential channel interacting; minus strand). Cytogenetic location: 16p13.3.
Variant type: single nucleotide variant.
Coding change: c.5704G>A on transcript NM_001009944.3 (MANE Select); coding-DNA position 5704, G replaced by A.
Protein change: p.Gly1902Arg; replaces glycine 1902 with arginine.
Molecular consequence: missense variant.
Genome position (GRCh38, 1-based): chr16:2,109,463, C>T on the plus strand (G>A on the coding strand, the complement: PKD1 is on the minus strand). VCF-style: chr16-2109463-C-T. GRCh37 (hg19) VCF-style: chr16-2159464-C-T.
Other names: p.Gly1902Arg; c.5704G>A (NM_001009944.2, NM_000296.3); c.5704G>A, p.Gly1902Arg (NM_000296.4); short protein forms G1902R.
Identifiers: ClinVar variation 997142 (VCV000997142.7), dbSNP rs370479407, ClinGen allele CA7831890.